The following is an entry in ClinVar:

NM_001199397.3(NEK1):c.3286A>G (p.Thr1096Ala)

Gene: NEK1 (NIMA related kinase 1; minus strand). Cytogenetic location: 4q33.
Variant type: single nucleotide variant.
Coding change: c.3286A>G on transcript NM_001199397.3 (MANE Select); coding-DNA position 3286, A replaced by G.
Protein change: p.Thr1096Ala; replaces threonine 1096 with alanine.
Molecular consequence: missense variant. On other transcripts: non-coding transcript variant (1).
Genome position (GRCh38, 1-based): chr4:169,406,684, T>C on the plus strand (A>G on the coding strand, the complement: NEK1 is on the minus strand). VCF-style: chr4-169406684-T-C. GRCh37 (hg19) VCF-style: chr4-170327835-T-C.
Other names: c.3154A>G, p.Thr1052Ala (NM_001199398.3); c.2995A>G, p.Thr999Ala (NM_001199399.3); c.3070A>G, p.Thr1024Ala (NM_001199400.3); c.3286A>G, p.Thr1096Ala (NM_001374418.1); c.3202A>G, p.Thr1068Ala (NM_001374419.1, NM_012224.4); c.3151A>G, p.Thr1051Ala (NM_001374420.1); c.2803A>G, p.Thr935Ala (NM_001374421.1); short protein forms T1024A, T1051A, T1068A, T935A, T1052A, T1096A, T999A.
Identifiers: ClinVar variation 3663668 (VCV003663668.2).
Genomic context (GRCh38, chr4:169,406,684, plus strand): 5'-TAATGTTTTCATCTTCAATTTCATCTATTTCAAGATTGTCTTGACGAACATCTCCTACGG[T>C]GGGAACATCCATAAGGGTTCTGAACAGCTTTGAGAGATCTGGAAGTGAACATGTCCTTAA-3'
Protein context (NP_001186326.1, residues 1086-1106): KLFRTLMDVP[Thr1096Ala]VGDVRQDNLE

ClinVar aggregate classification (germline): Uncertain significance (1 of 4 stars; one submission).

Conditions:
Short-rib thoracic dysplasia 6 with or without polydactyly (SRTD6). Also called: POLYDACTYLY WITH NEONATAL CHONDRODYSTROPHY, TYPE II; SHORT RIB-POLYDACTYLY SYNDROME, TYPE IIA; SHORT-RIB THORACIC DYSPLASIA 6 WITH POLYDACTYLY; SHORT-RIB THORACIC DYSPLASIA 6 WITHOUT POLYDACTYLY; Majewski Syndrome. Identifiers: MedGen C0024507, MONDO:0009894, OMIM 263520.

Submission:

Labcorp Genetics (formerly Invitae), Labcorp
Classification: Uncertain significance for Short-rib thoracic dysplasia 6 with or without polydactyly. Last evaluated: 2024-09-05. Review status: criteria provided, single submitter. Criteria: Invitae Variant Classification Sherloc (09022015). Collection method: clinical testing. Allele origin: germline.
Comment: This sequence change replaces threonine, which is neutral and polar, with alanine, which is neutral and non-polar, at codon 1068 of the NEK1 protein (p.Thr1068Ala). This variant is not present in population databases (gnomAD no frequency). This variant has not been reported in the literature in individuals affected with NEK1-related conditions. Invitae Evidence Modeling of protein sequence and biophysical properties (such as structural, functional, and spatial information, amino acid conservation, physicochemical variation, residue mobility, and thermodynamic stability) indicates that this missense variant is not expected to disrupt NEK1 protein function with a negative predictive value of 80%. In summary, the available evidence is currently insufficient to determine the role of this variant in disease. Therefore, it has been classified as a Variant of Uncertain Significance.